The following is an entry in ClinVar:

ClinVar aggregate classification (germline): Likely benign. Review status: criteria provided, multiple submitters, no conflicts (2 of 4 stars). 3 submissions from 3 submitters: Likely benign (3). Last evaluated 2026-06-26.

Conditions:
Sessile serrated polyposis cancer syndrome (SSPCS). Identifiers: Orphanet 157798, MedGen C4310714, MONDO:0014919, OMIM 617108.

Allele frequency attached by ClinVar (database versions not stated): gnomAD 0.00001; TOPMed below 0.00001.
gnomAD v4.1: 32 of 1,613,570 alleles (0.002%); highest among the groups gnomAD compares: Non-Finnish European, 0.0026%; no homozygotes.

Submissions (3):

Myriad Genetics, Inc.
Classification: Likely benign for Sessile serrated polyposis cancer syndrome. Last evaluated: 2026-06-26. Review status: criteria provided, single submitter. Criteria: Myriad Autosomal Dominant, Autosomal Recessive and X-Linked Classification Criteria (2023). Collection method: clinical testing. Allele origin: unknown.
Comment: This variant is considered likely benign. This variant is intronic and is not expected to impact mRNA splicing.

Ambry Genetics
Classification: Likely benign. Last evaluated: 2025-08-05. Review status: criteria provided, single submitter. Criteria: Ambry Variant Classification Scheme 2023. Collection method: clinical testing. Allele origin: germline.

Labcorp Genetics (formerly Invitae), Labcorp
Classification: Likely benign. Last evaluated: 2025-07-31. Review status: criteria provided, single submitter. Criteria: Invitae Variant Classification Sherloc (09022015). Collection method: clinical testing. Allele origin: germline.

NM_017763.6(RNF43):c.2309-4A>T

Gene: RNF43 (ring finger protein 43; minus strand). Cytogenetic location: 17q22.
Variant type: single nucleotide variant.
Coding change: c.2309-4A>T on transcript NM_017763.6 (MANE Select); 4 bases into the intron before coding-DNA position 2309, A replaced by T.
Molecular consequence: intron variant.
Genome position (GRCh38, 1-based): chr17:58,354,990, T>A on the plus strand (A>T on the coding strand, the complement: RNF43 is on the minus strand). VCF-style: chr17-58354990-T-A. GRCh37 (hg19) VCF-style: chr17-56432351-T-A.
Other names: c.2309-4A>T (NM_017763.4, NM_001438822.1, NM_001305544.3); c.1928-4A>T (NM_001305545.2).
Identifiers: ClinVar variation 1588044 (VCV001588044.10), dbSNP rs897756969, ClinGen allele CA292029299.
Genomic context (GRCh38, chr17:58,354,990, plus strand): 5'-AGGCCTGAACATCTCACACAGCCTGTTCACACAGCTCCTCGAGTTCCTCCTCTGAGCCTG[T>A]ATTTAGAGAGCGGGGAGGAAAGAGGTCATTGAGGGTCAGGCCAGGGACCTGCTTCTCTCG-3'